The following is an entry in ClinVar:

ClinVar aggregate classification (germline): Uncertain significance (1 of 4 stars; one submission).

Allele frequency attached by ClinVar (database versions not stated): TOPMed below 0.00001; gnomAD 0.00001; gnomAD exomes 0.00001; ExAC 0.00002.
gnomAD v4.1: 6 of 1,550,488 alleles (0.00039%); highest among the groups gnomAD compares: South Asian, 0.0038%; no homozygotes.

Submission:

Ambry Genetics
Classification: Uncertain significance. Last evaluated: 2022-12-26. Review status: criteria provided, single submitter. Criteria: Ambry Variant Classification Scheme 2023. Collection method: clinical testing. Allele origin: germline.
Comment: The p.V553G variant (also known as c.1658T>G), located in coding exon 16 of the PRKDC gene, results from a T to G substitution at nucleotide position 1658. The valine at codon 553 is replaced by glycine, an amino acid with dissimilar properties. This amino acid position is conserved. In addition, this alteration is predicted to be tolerated by in silico analysis. Since supporting evidence is limited at this time, the clinical significance of this alteration remains unclear.

NM_006904.7(PRKDC):c.1658T>G (p.Val553Gly)

Gene: PRKDC (protein kinase, DNA-activated, catalytic subunit; minus strand). Cytogenetic location: 8q11.21.
Variant type: single nucleotide variant.
Coding change: c.1658T>G on transcript NM_006904.7 (MANE Select); coding-DNA position 1658, T replaced by G.
Protein change: p.Val553Gly; replaces valine 553 with glycine.
Molecular consequence: missense variant.
Genome position (GRCh38, 1-based): chr8:47,933,138, A>C on the plus strand (T>G on the coding strand, the complement: PRKDC is on the minus strand). VCF-style: chr8-47933138-A-C. GRCh37 (hg19) VCF-style: chr8-48845698-A-C.
Other names: c.1658T>G, p.Val553Gly (NM_001081640.2); short protein forms V553G.
Identifiers: ClinVar variation 2453324 (VCV002453324.2), dbSNP rs773858633, ClinGen allele CA4741666.